The following is an entry in ClinVar:

ClinVar aggregate classification (germline): Uncertain significance (1 of 4 stars; one submission).

Submission:

Labcorp Genetics (formerly Invitae), Labcorp
Classification: Uncertain significance. Last evaluated: 2025-04-23. Review status: criteria provided, single submitter. Criteria: Invitae Variant Classification Sherloc (09022015). Collection method: clinical testing. Allele origin: germline.
Comment: This sequence change replaces glycine, which is neutral and non-polar, with serine, which is neutral and polar, at codon 144 of the SOX11 protein (p.Gly144Ser). This variant is not present in population databases (gnomAD no frequency). This variant has not been reported in the literature in individuals affected with SOX11-related conditions. Invitae Evidence Modeling of protein sequence and biophysical properties (such as structural, functional, and spatial information, amino acid conservation, physicochemical variation, residue mobility, and thermodynamic stability) indicates that this missense variant is not expected to disrupt SOX11 protein function with a negative predictive value of 95%. In summary, the available evidence is currently insufficient to determine the role of this variant in disease. Therefore, it has been classified as a Variant of Uncertain Significance.

NM_003108.4(SOX11):c.430G>A (p.Gly144Ser)

Gene: SOX11 (SRY-box transcription factor 11; plus strand). Cytogenetic location: 2p25.2.
Variant type: single nucleotide variant.
Coding change: c.430G>A on transcript NM_003108.4 (MANE Select); coding-DNA position 430, G replaced by A.
Protein change: p.Gly144Ser; replaces glycine 144 with serine.
Molecular consequence: missense variant.
Genome position (GRCh38, 1-based): chr2:5,693,151, G>A. VCF-style: chr2-5693151-G-A. GRCh37 (hg19) VCF-style: chr2-5833283-G-A.
Other names: short protein forms G144S.
Identifiers: ClinVar variation 4697388 (VCV004697388.1).
Genomic context (GRCh38, chr2:5,693,151, plus strand): 5'-CCCAAAATGGACCCCTCGGCCAAGCCCAGCGCCAGCCAGAGCCCAGAGAAGAGCGCGGCC[G>A]GCGGCGGCGGCGGGAGCGCGGGCGGAGGCGCGGGCGGTGCCAAGACCTCCAAGGGCTCCA-3'
Protein context (NP_003099.1, residues 134-154): ASQSPEKSAA[Gly144Ser]GGGGSAGGGA